The following is an entry in ClinVar:

NM_015512.5(DNAH1):c.1967A>G (p.Asn656Ser)

Gene: DNAH1 (dynein axonemal heavy chain 1; plus strand). Cytogenetic location: 3p21.1.
Variant type: single nucleotide variant.
Coding change: c.1967A>G on transcript NM_015512.5 (MANE Select); coding-DNA position 1967, A replaced by G.
Protein change: p.Asn656Ser; replaces asparagine 656 with serine.
Molecular consequence: missense variant.
Genome position (GRCh38, 1-based): chr3:52,347,835, A>G. VCF-style: chr3-52347835-A-G. GRCh37 (hg19) VCF-style: chr3-52381851-A-G.
Other names: short protein forms N656S.
Identifiers: ClinVar variation 1408154 (VCV001408154.8), dbSNP rs1401244666, ClinGen allele CA353096582.

ClinVar aggregate classification (germline): Uncertain significance (1 of 4 stars; one submission).

Conditions:
Spermatogenic failure 18. Identifiers: MedGen C4539783, MONDO:0054615, OMIM 617576.
Ciliary dyskinesia, primary, 37 (CILD37). Also called: CILIARY DYSKINESIA, PRIMARY, 37, WITH OR WITHOUT SITUS INVERSUS. Identifiers: MedGen C4539798, MONDO:0033204, OMIM 617577.

Allele frequency attached by ClinVar (database versions not stated): gnomAD exomes below 0.00001; gnomAD 0.00002 and 0.00003; TOPMed 0.00005.
gnomAD v4.1: 7 of 1,591,504 alleles (0.00044%); highest among the groups gnomAD compares: African/African-American, 0.0094%; no homozygotes.

Submission:

Labcorp Genetics (formerly Invitae), Labcorp
Classification: Uncertain significance for Ciliary dyskinesia, primary, 37; Spermatogenic failure 18. Last evaluated: 2020-12-25. Review status: criteria provided, single submitter. Criteria: Invitae Variant Classification Sherloc (09022015). Collection method: clinical testing. Allele origin: germline.
Comment: In summary, the available evidence is currently insufficient to determine the role of this variant in disease. Therefore, it has been classified as a Variant of Uncertain Significance. Algorithms developed to predict the effect of missense changes on protein structure and function are either unavailable or do not agree on the potential impact of this missense change (SIFT: "Deleterious"; PolyPhen-2: "Benign"; Align-GVGD: "Class C0"). This variant has not been reported in the literature in individuals with DNAH1-related conditions. This variant is not present in population databases (ExAC no frequency). This sequence change replaces asparagine with serine at codon 656 of the DNAH1 protein (p.Asn656Ser). The asparagine residue is highly conserved and there is a small physicochemical difference between asparagine and serine.